The following is an entry in ClinVar:

NM_016507.4(CDK12):c.2611G>T (p.Gly871Trp)

Gene: CDK12 (cyclin dependent kinase 12; plus strand). Cytogenetic location: 17q12.
Variant type: single nucleotide variant.
Coding change: c.2611G>T on transcript NM_016507.4 (MANE Select); coding-DNA position 2611, G replaced by T.
Protein change: p.Gly871Trp; replaces glycine 871 with tryptophan.
Molecular consequence: missense variant.
Genome position (GRCh38, 1-based): chr17:39,509,706, G>T. VCF-style: chr17-39509706-G-T. GRCh37 (hg19) VCF-style: chr17-37665959-G-T.
Other names: c.2611G>T, p.Gly871Trp (NM_015083.4); short protein forms G871W.
Identifiers: ClinVar variation 5034147 (VCV005034147.1).

ClinVar aggregate classification (germline): Uncertain significance (1 of 4 stars; one submission).

Submission:

Ambry Genetics
Classification: Uncertain significance. Last evaluated: 2026-08-11. Review status: criteria provided, single submitter. Criteria: Ambry Variant Classification Scheme 2023. Collection method: clinical testing. Allele origin: germline.
Comment: The p.G871W variant (also known as c.2611G>T), located in coding exon 7 of the CDK12 gene, results from a G to T substitution at nucleotide position 2611. The glycine at codon 871 is replaced by tryptophan, an amino acid with highly dissimilar properties. This amino acid position is conserved. In addition, this alteration is predicted to be deleterious by in silico analysis. Based on the available evidence, the clinical significance of this variant remains unclear.